The following is an entry in ClinVar:

ClinVar aggregate classification (germline): Uncertain significance (1 of 4 stars; one submission).

Allele frequency attached by ClinVar (database versions not stated): TOPMed below 0.00001.

Submission:

Labcorp Genetics (formerly Invitae), Labcorp
Classification: Uncertain significance. Last evaluated: 2021-12-03. Review status: criteria provided, single submitter. Criteria: Invitae Variant Classification Sherloc (09022015). Collection method: clinical testing. Allele origin: germline.
Comment: In summary, the available evidence is currently insufficient to determine the role of this variant in disease. Therefore, it has been classified as a Variant of Uncertain Significance. Algorithms developed to predict the effect of missense changes on protein structure and function are either unavailable or do not agree on the potential impact of this missense change (SIFT: "Tolerated"; PolyPhen-2: "Probably Damaging"; Align-GVGD: "Class C0"). This sequence change replaces isoleucine, which is neutral and non-polar, with valine, which is neutral and non-polar, at codon 333 of the PDHX protein (p.Ile333Val). This variant is not present in population databases (gnomAD no frequency). This variant has not been reported in the literature in individuals affected with PDHX-related conditions.

NM_003477.3(PDHX):c.997A>G (p.Ile333Val)

Gene: PDHX (pyruvate dehydrogenase complex component X; plus strand). Cytogenetic location: 11p13.
Variant type: single nucleotide variant.
Coding change: c.997A>G on transcript NM_003477.3 (MANE Select); coding-DNA position 997, A replaced by G.
Protein change: p.Ile333Val; replaces isoleucine 333 with valine.
Molecular consequence: missense variant. On other transcripts: intron variant (1).
Genome position (GRCh38, 1-based): chr11:34,978,156, A>G. VCF-style: chr11-34978156-A-G. GRCh37 (hg19) VCF-style: chr11-34999703-A-G.
Other names: c.817A>G, p.Ile273Val (NM_001135024.2); c.343-6414A>G (NM_001166158.2); short protein forms I273V, I333V.
Identifiers: ClinVar variation 1419157 (VCV001419157.8), dbSNP rs970112194, ClinGen allele CA220469464.